The following is an entry in ClinVar:

ClinVar aggregate classification (germline): Uncertain significance (1 of 4 stars; one submission).

Conditions:
Hereditary spastic paraplegia 3A (SPG3A). Also called: SPASTIC PARAPLEGIA 3, AUTOSOMAL DOMINANT; FAMILIAL SPASTIC PARAPLEGIA, AUTOSOMAL DOMINANT, 1; SPG3; STRUMPELL DISEASE; Spastic Paraplegia 3A; Spastic paraplegia 3A, autosomal dominant. Identifiers: Orphanet 100984, MedGen C2931355, MONDO:0008437, OMIM 182600.

Submission:

Labcorp Genetics (formerly Invitae), Labcorp
Classification: Uncertain significance for Hereditary spastic paraplegia 3A. Last evaluated: 2022-01-03. Review status: criteria provided, single submitter. Criteria: Invitae Variant Classification Sherloc (09022015). Collection method: clinical testing. Allele origin: germline.
Comment: In summary, the available evidence is currently insufficient to determine the role of this variant in disease. Therefore, it has been classified as a Variant of Uncertain Significance. Advanced modeling of protein sequence and biophysical properties (such as structural, functional, and spatial information, amino acid conservation, physicochemical variation, residue mobility, and thermodynamic stability) performed at Invitae indicates that this missense variant is not expected to disrupt ATL1 protein function. This variant has not been reported in the literature in individuals affected with ATL1-related conditions. This variant is not present in population databases (gnomAD no frequency). This sequence change replaces serine, which is neutral and polar, with glycine, which is neutral and non-polar, at codon 423 of the ATL1 protein (p.Ser423Gly).

NM_015915.5(ATL1):c.1267A>G (p.Ser423Gly)

Gene: ATL1 (atlastin GTPase 1; plus strand). Cytogenetic location: 14q22.1.
Variant type: single nucleotide variant.
Coding change: c.1267A>G on transcript NM_015915.5 (MANE Select); coding-DNA position 1267, A replaced by G.
Protein change: p.Ser423Gly; replaces serine 423 with glycine.
Molecular consequence: missense variant.
Genome position (GRCh38, 1-based): chr14:50,628,178, A>G. VCF-style: chr14-50628178-A-G. GRCh37 (hg19) VCF-style: chr14-51094896-A-G.
Other names: c.1267A>G, p.Ser423Gly (NM_001127713.1, NM_181598.4); short protein forms S423G.
Identifiers: ClinVar variation 2181809 (VCV002181809.4), dbSNP rs2504577518, ClinGen allele CA389675902.